The following is an entry in ClinVar:

NM_000059.4(BRCA2):c.5870T>C (p.Ile1957Thr)

Gene: BRCA2 (BRCA2 DNA repair associated; plus strand). Cytogenetic location: 13q13.1.
Variant type: single nucleotide variant.
Coding change: c.5870T>C on transcript NM_000059.4 (MANE Select); coding-DNA position 5870, T replaced by C.
Protein change: p.Ile1957Thr; replaces isoleucine 1957 with threonine.
Molecular consequence: missense variant.
Genome position (GRCh38, 1-based): chr13:32,340,225, T>C. VCF-style: chr13-32340225-T-C. GRCh37 (hg19) VCF-style: chr13-32914362-T-C.
Other names: short protein forms I1957T.
Identifiers: ClinVar variation 142228 (VCV000142228.81), dbSNP rs587782320, ClinGen allele CA023326.

ClinVar aggregate classification (germline): Conflicting classifications of pathogenicity. Review status: criteria provided, conflicting classifications (1 of 4 stars). 16 submissions from 16 submitters: Uncertain significance (9); Likely benign (4). 3 of the submissions do not count toward it. Last evaluated 2025-11-04.

Conditions:
Familial cancer of breast. Also called: BREAST CANCER, FAMILIAL; hereditary breast carcinoma; Hereditary breast cancer. Identifiers: Orphanet 227535, MedGen C0346153, MONDO:0016419, OMIM 114480. Disease mechanism: loss of function.
Fanconi anemia complementation group D1. Also called: BRCA2-Related Fanconi Anemia. Identifiers: Orphanet 319462, MedGen C1838457, MONDO:0011584, OMIM 605724.
Medulloblastoma (MDB). Also called: Medulloblastoma, somatic; MEDULLOBLASTOMA PREDISPOSITION SYNDROME. Identifiers: Orphanet 616, MedGen C0025149, MeSH D008527, MONDO:0007959, OMIM 155255, HP:0002885.
Breast-ovarian cancer, familial, susceptibility to, 2 (BROVCA2). Also called: BRCA2 Hereditary Breast and Ovarian Cancer. Identifiers: Orphanet 145, MedGen C2675520, MONDO:0012933, OMIM 612555. Disease mechanism: loss of function.
Wilms tumor 1 (WT1). Also called: Wilms tumor, somatic. Identifiers: Orphanet 654, MedGen CN033288, MONDO:0008679, OMIM 194070.
Glioma susceptibility 3 (GLM3). Also called: Glioblastoma 3. Identifiers: Orphanet 182067, Orphanet 360, MedGen C2751641, MONDO:0013093, OMIM 613029.
Pancreatic cancer, susceptibility to, 2. Identifiers: Orphanet 1333, MedGen C3150546, MONDO:0013235, OMIM 613347.
Familial prostate cancer. Also called: Hereditary Prostate Cancer. Identifiers: MedGen C2931456, MONDO:0700275, OMIM 176807.
BRCA2-related cancer predisposition. Identifiers: MedGen CN377758, MONDO:0700269.
Hereditary cancer-predisposing syndrome. Also called: Neoplastic Syndromes, Hereditary; Hereditary neoplastic syndrome; Hereditary Cancer Syndrome; Tumor predisposition. Identifiers: Orphanet 140162, MedGen C0027672, MeSH D009386, MONDO:0015356.
Hereditary breast ovarian cancer syndrome. Also called: Breast and ovarian cancer; Hereditary breast and/or ovarian cancer syndrome; Hereditary breast and ovarian cancer syndrome; Hereditary breast and ovarian cancer syndrome (HBOC); Hereditary breast and ovarian cancer; BRCA1- and BRCA2-Associated Hereditary Breast and Ovarian Cancer. Identifiers: Orphanet 145, MedGen C0677776, MeSH D061325, MONDO:0003582. Disease mechanism: loss of function.

Allele frequency attached by ClinVar (database versions not stated): gnomAD 0.00001; gnomAD exomes 0.00001 and 0.00002; ExAC 0.00003.
gnomAD v4.1: 23 of 1,613,884 alleles (0.0014%); highest among the groups gnomAD compares: South Asian, 0.0077%; no homozygotes.

Submissions (16):

Labcorp Genetics (formerly Invitae), Labcorp
Classification: Likely benign for Hereditary breast ovarian cancer syndrome. Last evaluated: 2025-11-04. Review status: criteria provided, single submitter. Criteria: Invitae Variant Classification Sherloc (09022015). Collection method: clinical testing. Allele origin: germline.

Women's Health and Genetics/Laboratory Corporation of America, LabCorp
Classification: Uncertain significance. Last evaluated: 2025-07-18. Review status: criteria provided, single submitter. Criteria: LabCorp Variant Classification Summary - May 2015. Collection method: clinical testing. Allele origin: germline.
Comment: Variant summary: BRCA2 c.5870T>C (p.Ile1957Thr) results in a non-conservative amino acid change in the encoded protein sequence. Algorithms developed to predict the effect of missense changes on protein structure and function are either unavailable or do not agree on the potential impact of this missense change. The variant allele was found at a frequency of 2.4e-05 in 250964 control chromosomes (gnomAD). The available data on variant occurrences in the general population are insufficient to allow any conclusion about variant significance. c.5870T>C has been observed in an individual affected with Lung and Prostate Cancer (Parry_2017) and individuals affected with Breast Cancer, as well as unaffected controls (e.g., Abu-Helalah_2020, Dong_2021, Dorling_2021). These reports do not provide unequivocal conclusions about association of the variant with Prostate Cancer. To our knowledge, no experimental evidence demonstrating an impact on protein function has been reported. The following publications have been ascertained in the context of this evaluation (PMID: 33067490, 32467295, 33471991, 28843361). ClinVar contains an entry for this variant (Variation ID: 142228). Based on the evidence outlined above, the variant was classified as uncertain significance.

Center for Genomic Medicine, Rigshospitalet, Copenhagen University Hospital
Classification: Uncertain significance. Last evaluated: 2025-03-04. Review status: criteria provided, single submitter. Criteria: ACMG Guidelines, 2015. Collection method: clinical testing. Allele origin: germline.

Blueprint Genetics
Classification: Likely benign. Last evaluated: 2024-07-23. Review status: criteria provided, single submitter. Criteria: ACMG Guidelines, 2015. Collection method: clinical testing. Allele origin: germline.

All of Us Research Program, National Institutes of Health
Classification: Uncertain significance for BRCA2-related cancer predisposition. Last evaluated: 2024-05-30. Review status: criteria provided, single submitter. Criteria: ACMG Guidelines, 2015. Collection method: clinical testing. Allele origin: germline. Inheritance: Autosomal dominant inheritance. Observed: 6 variant alleles, 6 heterozygotes.
Comment: This missense variant replaces isoleucine with threonine at codon 1957 of the BRCA2 protein. Computational prediction suggests that this variant may not impact protein structure and function (internally defined REVEL score threshold <= 0.5, PMID: 27666373). To our knowledge, functional studies have not been reported for this variant. This variant has been reported in individuals affected with breast or ovarian cancer (PMID: 32885271, 33067490). In a large breast cancer case-control meta analysis conducted by the BRIDGES consortium, this variant was reported in 2/60466 cases and 1/53461 unaffected controls; Leiden Open Variation Database DB-ID BRCA2_002145 (PMID: 33471991). This variant has been identified in 6/250964 chromosomes in the general population by the Genome Aggregation Database (gnomAD). The available evidence is insufficient to determine the role of this variant in disease conclusively. Therefore, this variant is classified as a Variant of Uncertain Significance.

This study involves interpretation of variants in research participants for the purpose of population health screening. Participant phenotype was not available at the time of variant classification. Additional details can be found in publication PMID: 35346344, PMCID: PMC8962531

Color Diagnostics, LLC DBA Color Health
Classification: Uncertain significance for Hereditary cancer-predisposing syndrome. Last evaluated: 2024-04-24. Review status: criteria provided, single submitter. Criteria: ACMG Guidelines, 2015. Collection method: clinical testing. Allele origin: germline.
Comment: This missense variant replaces isoleucine with threonine at codon 1957 of the BRCA2 protein. Computational prediction suggests that this variant may not impact protein structure and function. To our knowledge, functional studies have not been reported for this variant. This variant has been reported in individuals affected with breast or ovarian cancer (PMID: 32885271, 33067490). In a large breast cancer case-control meta analysis conducted by the BRIDGES consortium, this variant was reported in 2/60466 cases and 1/53461 unaffected controls; Leiden Open Variation Database DB-ID BRCA2_002145 (PMID: 33471991). This variant has been identified in 6/250964 chromosomes in the general population by the Genome Aggregation Database (gnomAD). The available evidence is insufficient to determine the role of this variant in disease conclusively. Therefore, this variant is classified as a Variant of Uncertain Significance.

Ambry Genetics
Classification: Likely benign for Hereditary cancer-predisposing syndrome. Last evaluated: 2024-03-21. Review status: criteria provided, single submitter. Criteria: Ambry Variant Classification Scheme 2023. Collection method: clinical testing. Allele origin: germline.

Fulgent Genetics
Classification: Uncertain significance for Familial cancer of breast; Medulloblastoma; Familial prostate cancer; Wilms tumor 1; Fanconi anemia complementation group D1; Breast-ovarian cancer, familial, susceptibility to, 2; Glioma susceptibility 3; Pancreatic cancer, susceptibility to, 2. Last evaluated: 2024-02-28. Review status: criteria provided, single submitter. Criteria: ACMG Guidelines, 2015. Collection method: clinical testing. Allele origin: germline.

Revvity Omics, Revvity
Classification: Uncertain significance. Last evaluated: 2023-10-04. Review status: criteria provided, single submitter. Criteria: ACMG Guidelines, 2015. Collection method: clinical testing. Allele origin: germline.

Department of Pathology and Laboratory Medicine, Sinai Health System
Classification: Uncertain significance for Familial cancer of breast; Breast-ovarian cancer, familial, susceptibility to, 2. Last evaluated: 2023-06-06. Review status: criteria provided, single submitter. Criteria: ACMG Guidelines, 2015. Collection method: clinical testing. Allele origin: germline. Affected: yes.

GeneDx
Classification: Uncertain significance. Last evaluated: 2023-06-06. Review status: criteria provided, single submitter. Criteria: GeneDx Variant Classification Process June 2021. Collection method: clinical testing. Allele origin: germline. Affected: yes.
Comment: Observed in individuals with a personal and/or family history of breast, ovarian, prostate, and/or lung cancer (Lu et al., 2015; Parry et al., 2017; Abu-Helalah et al., 2020; Lerner-Ellis et al., 2021); In silico analysis supports that this missense variant does not alter protein structure/function; Also known as 6098T>C; This variant is associated with the following publications: (PMID: 26689913, 32467295, 33067490, 32377563, 31911673, 29884841, 32885271, 28843361)

University of Washington Department of Laboratory Medicine, University of Washington
Classification: Likely benign for Hereditary cancer-predisposing syndrome. Last evaluated: 2023-03-23. Review status: criteria provided, single submitter. Criteria: Dines et al. (Genet Med. 2020). Collection method: curation. Allele origin: germline.
Comment: Missense variant in a coldspot region where missense variants are very unlikely to be pathogenic (PMID:31911673).

BRCA2 exon 11 coldspot. Reclassification based on statistical prior probability.

CeGaT Center for Human Genetics Tuebingen
Classification: Uncertain significance. Last evaluated: 2020-04-01. Review status: criteria provided, single submitter. Criteria: CeGaT Center For Human Genetics Tuebingen Variant Classification Criteria Version 2. Collection method: clinical testing. Allele origin: germline. Affected: yes. Observed: 1 variant allele.

Department of Medical and Surgical Sciences, University of Bologna
Classification: Likely benign for Breast-ovarian cancer, familial, susceptibility to, 2. Last evaluated: 2023-09-01. Review status: no assertion criteria provided. Collection method: clinical testing. Allele origin: germline. Affected: yes. Not counted in ClinVar's aggregate classification.
Comment: BP1(Strong) according to ACMG/AMP classification guidelines specified for BRCA1 & BRCA2 (Classification Criteria V1.0.0 2023-09-08) (PMID: 38160042)

BRCAlab, Lund University
Classification: Uncertain significance for Breast-ovarian cancer, familial, susceptibility to, 2. Last evaluated: 2020-03-02. Review status: no assertion criteria provided. Collection method: clinical testing. Allele origin: germline. Affected: yes. Not counted in ClinVar's aggregate classification.

Research Molecular Genetics Laboratory, Women's College Hospital, University of Toronto
Classification: Uncertain significance. Last evaluated: 2014-01-31. Review status: no assertion criteria provided. Collection method: research. Allele origin: germline. Affected: yes. Study: The Canadian Open Genetics Repository (COGR). Not counted in ClinVar's aggregate classification.

Literature cited by the submitters: PubMed 28843361 (cited by 3 submitters); PubMed 33471991 (cited by 4 submitters); PubMed 32467295 (cited by Women's Health and Genetics/Laboratory Corporation of America, LabCorp); PubMed 33067490 (cited by 6 submitters); PubMed 32885271 (cited by 3 submitters).